The following is an entry in ClinVar:

ClinVar aggregate classification (germline): Uncertain significance. Review status: criteria provided, multiple submitters, no conflicts (2 of 4 stars). 2 submissions from 2 submitters: Uncertain significance (2). Last evaluated 2024-05-26.

Allele frequency attached by ClinVar (database versions not stated): gnomAD 0.00001; gnomAD exomes 0.00001 and 0.00002.
gnomAD v4.1: 23 of 1,609,196 alleles (0.0014%); highest among the groups gnomAD compares: Non-Finnish European, 0.0019%; no homozygotes.

Submissions (2):

Ambry Genetics
Classification: Uncertain significance. Last evaluated: 2024-05-26. Review status: criteria provided, single submitter. Criteria: Ambry Variant Classification Scheme 2023. Collection method: clinical testing. Allele origin: germline.
Comment: The p.I779F variant (also known as c.2335A>T), located in coding exon 15 of the RINT1 gene, results from an A to T substitution at nucleotide position 2335. The isoleucine at codon 779 is replaced by phenylalanine, an amino acid with highly similar properties. This amino acid position is conserved. In addition, this alteration is predicted to be tolerated by in silico analysis. Since supporting evidence is limited at this time, the clinical significance of this alteration remains unclear.

Labcorp Genetics (formerly Invitae), Labcorp
Classification: Uncertain significance. Last evaluated: 2021-01-31. Review status: criteria provided, single submitter. Criteria: Invitae Variant Classification Sherloc (09022015). Collection method: clinical testing. Allele origin: germline.
Comment: This sequence change replaces isoleucine with phenylalanine at codon 779 of the RINT1 protein (p.Ile779Phe). The isoleucine residue is moderately conserved and there is a small physicochemical difference between isoleucine and phenylalanine. This variant is not present in population databases (ExAC no frequency). This variant has not been reported in the literature in individuals with RINT1-related conditions. Algorithms developed to predict the effect of missense changes on protein structure and function (SIFT, PolyPhen-2, Align-GVGD) all suggest that this variant is likely to be tolerated, but these predictions have not been confirmed by published functional studies and their clinical significance is uncertain. In summary, the available evidence is currently insufficient to determine the role of this variant in disease. Therefore, it has been classified as a Variant of Uncertain Significance.

NM_021930.6(RINT1):c.2335A>T (p.Ile779Phe)

Genes: EFCAB10 (EF-hand calcium binding domain 10; minus strand), RINT1 (RAD50 interactor 1; plus strand). Cytogenetic location: 7q22.3.
Variant type: single nucleotide variant.
Coding change: c.2335A>T on transcript NM_021930.6 (MANE Select); coding-DNA position 2335, A replaced by T.
Protein change: p.Ile779Phe; replaces isoleucine 779 with phenylalanine.
Molecular consequence: missense variant. On other transcripts: 3 prime UTR variant (2), non-coding transcript variant (1), intron variant (3).
Genome position (GRCh38, 1-based): chr7:105,567,267, A>T. VCF-style: chr7-105567267-A-T. GRCh37 (hg19) VCF-style: chr7-105207714-A-T.
Other names: c.*187T>A (NM_001355527.2, NM_001355529.2); c.2101A>T, p.Ile701Phe (NM_001346599.2); c.1312A>T, p.Ile438Phe (NM_001346600.2, NM_001346603.2); c.1411A>T, p.Ile471Phe (NM_001346601.2); c.360-1820T>A (NM_001355531.2); c.383+200T>A (NM_001355526.2, NM_001355530.2); short protein forms I471F, I779F, I438F, I701F.
Identifiers: ClinVar variation 1442312 (VCV001442312.11), dbSNP rs1296819896, ClinGen allele CA368815665.